The following is an entry in ClinVar:

NM_000215.4(JAK3):c.1196A>G (p.Tyr399Cys)

Gene: JAK3 (Janus kinase 3; minus strand). Cytogenetic location: 19p13.11.
Variant type: single nucleotide variant.
Coding change: c.1196A>G on transcript NM_000215.4 (MANE Select); coding-DNA position 1196, A replaced by G.
Protein change: p.Tyr399Cys; replaces tyrosine 399 with cysteine.
Molecular consequence: missense variant.
Genome position (GRCh38, 1-based): chr19:17,840,288, T>C on the plus strand (A>G on the coding strand, the complement: JAK3 is on the minus strand). VCF-style: chr19-17840288-T-C. GRCh37 (hg19) VCF-style: chr19-17951097-T-C.
Other names: short protein forms Y399C.
Identifiers: ClinVar variation 1444260 (VCV001444260.3), dbSNP rs201199447, ClinGen allele CA9301964.

ClinVar aggregate classification (germline): Uncertain significance (1 of 4 stars; one submission).

Conditions:
T-B+ severe combined immunodeficiency due to JAK3 deficiency. Also called: SCID, autosomal recessive, T-negative/B-positive type; SCID, T CELL-NEGATIVE, B CELL-POSITIVE, NK CELL-NEGATIVE. Identifiers: Orphanet 35078, MedGen C1833275, MONDO:0010938, OMIM 600802.

Allele frequency attached by ClinVar (database versions not stated): gnomAD exomes 0.00002 and 0.00004; ExAC 0.00005; ESP Exome Variant Server 0.00008.
gnomAD v4.1: 61 of 1,613,782 alleles (0.0038%); highest among the groups gnomAD compares: East Asian, 0.0089%; no homozygotes.

Submission:

Labcorp Genetics (formerly Invitae), Labcorp
Classification: Uncertain significance for T-B+ severe combined immunodeficiency due to JAK3 deficiency. Last evaluated: 2022-06-27. Review status: criteria provided, single submitter. Criteria: Invitae Variant Classification Sherloc (09022015). Collection method: clinical testing. Allele origin: germline.
Comment: This sequence change replaces tyrosine, which is neutral and polar, with cysteine, which is neutral and slightly polar, at codon 399 of the JAK3 protein (p.Tyr399Cys). This variant is present in population databases (rs201199447, gnomAD 0.01%). This variant has not been reported in the literature in individuals affected with JAK3-related conditions. Algorithms developed to predict the effect of missense changes on protein structure and function (SIFT, PolyPhen-2, Align-GVGD) all suggest that this variant is likely to be disruptive. In summary, the available evidence is currently insufficient to determine the role of this variant in disease. Therefore, it has been classified as a Variant of Uncertain Significance.